The following is an entry in ClinVar:

NM_005235.3(ERBB4):c.3531T>G (p.Asn1177Lys)

Gene: ERBB4 (erb-b2 receptor tyrosine kinase 4; minus strand). Cytogenetic location: 2q34.
Variant type: single nucleotide variant.
Coding change: c.3531T>G on transcript NM_005235.3 (MANE Select); coding-DNA position 3531, T replaced by G.
Protein change: p.Asn1177Lys; replaces asparagine 1177 with lysine.
Molecular consequence: missense variant.
Genome position (GRCh38, 1-based): chr2:211,384,011, A>C on the plus strand (T>G on the coding strand, the complement: ERBB4 is on the minus strand). VCF-style: chr2-211384011-A-C. GRCh37 (hg19) VCF-style: chr2-212248736-A-C.
Other names: c.3483T>G, p.Asn1161Lys (NM_001042599.2); c.3501T>G, p.Asn1167Lys (NM_001439005.1); c.3453T>G, p.Asn1151Lys (NM_001439006.1); short protein forms N1167K, N1151K, N1161K, N1177K.
Identifiers: ClinVar variation 4710112 (VCV004710112.1).

ClinVar aggregate classification (germline): Uncertain significance (1 of 4 stars; one submission).

Submission:

Labcorp Genetics (formerly Invitae), Labcorp
Classification: Uncertain significance. Last evaluated: 2025-06-18. Review status: criteria provided, single submitter. Criteria: Invitae Variant Classification Sherloc (09022015). Collection method: clinical testing. Allele origin: germline.
Comment: This sequence change replaces asparagine, which is neutral and polar, with lysine, which is basic and polar, at codon 1177 of the ERBB4 protein (p.Asn1177Lys). This variant is not present in population databases (gnomAD no frequency). This variant has not been reported in the literature in individuals affected with ERBB4-related conditions. An algorithm developed to predict the effect of missense changes on protein structure and function (PolyPhen-2) suggests that this variant is likely to be tolerated. In summary, the available evidence is currently insufficient to determine the role of this variant in disease. Therefore, it has been classified as a Variant of Uncertain Significance.